The following is an entry in ClinVar:

ClinVar aggregate classification (germline): Uncertain significance. Review status: criteria provided, multiple submitters, no conflicts (2 of 4 stars). 3 submissions from 3 submitters: Uncertain significance (2). 1 of the submissions does not count toward it. Last evaluated 2023-08-10.

Conditions:
Retinal dystrophy. Also called: Inherited retinal dystrophy. Identifiers: Orphanet 71862, MedGen C0854723, MeSH D058499, MONDO:0019118, HP:0000556.

Allele frequency attached by ClinVar (database versions not stated): gnomAD 0.00001; gnomAD exomes 0.00001; TOPMed 0.00001.
gnomAD v4.1: 5 of 1,587,160 alleles (0.00032%); highest among the groups gnomAD compares: Admixed American, 0.0034%; no homozygotes.

Submissions (3):

Labcorp Genetics (formerly Invitae), Labcorp
Classification: Uncertain significance. Last evaluated: 2023-08-10. Review status: criteria provided, single submitter. Criteria: Invitae Variant Classification Sherloc (09022015). Collection method: clinical testing. Allele origin: germline.
Comment: In summary, the available evidence is currently insufficient to determine the role of this variant in disease. Therefore, it has been classified as a Variant of Uncertain Significance. Advanced modeling of protein sequence and biophysical properties (such as structural, functional, and spatial information, amino acid conservation, physicochemical variation, residue mobility, and thermodynamic stability) performed at Invitae indicates that this missense variant is not expected to disrupt KIF11 protein function. ClinVar contains an entry for this variant (Variation ID: 2086578). This variant has not been reported in the literature in individuals affected with KIF11-related conditions. This variant is not present in population databases (gnomAD no frequency). This sequence change replaces lysine, which is basic and polar, with glutamic acid, which is acidic and polar, at codon 77 of the KIF11 protein (p.Lys77Glu).

Blueprint Genetics
Classification: Uncertain significance. Last evaluated: 2020-12-29. Review status: criteria provided, single submitter. Criteria: ACMG Guidelines, 2015. Collection method: clinical testing. Allele origin: germline.

Institute of Human Genetics, Univ. Regensburg, Univ. Regensburg
Classification: Uncertain significance for Retinal dystrophy. Last evaluated: 2021-01-01. Review status: no assertion criteria provided. Criteria: ACMG Guidelines, 2015. Collection method: clinical testing. Allele origin: germline. Affected: yes. Not counted in ClinVar's aggregate classification.

NM_004523.4(KIF11):c.229A>G (p.Lys77Glu)

Gene: KIF11 (kinesin family member 11; plus strand). Cytogenetic location: 10q23.33.
Variant type: single nucleotide variant.
Coding change: c.229A>G on transcript NM_004523.4 (MANE Select); coding-DNA position 229, A replaced by G.
Protein change: p.Lys77Glu; replaces lysine 77 with glutamic acid.
Molecular consequence: missense variant.
Genome position (GRCh38, 1-based): chr10:92,606,637, A>G. VCF-style: chr10-92606637-A-G. GRCh37 (hg19) VCF-style: chr10-94366394-A-G.
Other names: short protein forms K77E.
Identifiers: ClinVar variation 2086578 (VCV002086578.6), dbSNP rs1190530592, ClinGen allele CA377588328.